The following is an entry in ClinVar:

NM_001374736.1(DST):c.14533G>T (p.Glu4845Ter)

Gene: DST (dystonin; minus strand). Cytogenetic location: 6p12.1.
Variant type: single nucleotide variant.
Coding change: c.14533G>T on transcript NM_001374736.1 (MANE Select); coding-DNA position 14533, G replaced by T.
Protein change: p.Glu4845Ter; replaces glutamic acid 4845 with a stop codon.
Molecular consequence: nonsense.
Genome position (GRCh38, 1-based): chr6:56,557,426, C>A on the plus strand (G>T on the coding strand, the complement: DST is on the minus strand). VCF-style: chr6-56557426-C-A. GRCh37 (hg19) VCF-style: chr6-56422224-C-A.
Other names: c.8176G>T, p.Glu2726Ter (NM_001144769.5); c.7762G>T, p.Glu2588Ter (NM_001144770.2); c.14533G>T, p.Glu4845Ter (NM_001374722.1); c.13900G>T, p.Glu4634Ter (NM_001374729.1); c.7642G>T, p.Glu2548Ter (NM_001374730.1, NM_001386100.1, NM_183380.4); c.14560G>T, p.Glu4854Ter (NM_001374734.1); c.6664G>T, p.Glu2222Ter (NM_015548.5); short protein forms E2222*, E2548*, E2588*, E2726*, E4634*, E4845*, E4854*.
Identifiers: ClinVar variation 3757245 (VCV003757245.2).

ClinVar aggregate classification (germline): Pathogenic (1 of 4 stars; one submission).

Conditions:
Hereditary sensory and autonomic neuropathy type 6. Also called: HSAN VI; Neuropathy, hereditary sensory and autonomic, type VI. Identifiers: Orphanet 314381, MedGen C3539003, MONDO:0013839, OMIM 614653.
Epidermolysis bullosa simplex 3, localized or generalized intermediate, with BP230 deficiency (EBS3). Also called: Epidermolysis bullosa simplex due to BP230 deficiency; Epidermolysis bullosa simplex, autosomal recessive 2. Identifiers: Orphanet 412181, MedGen C3809470, MONDO:0014180, OMIM 615425.

Submission:

Labcorp Genetics (formerly Invitae), Labcorp
Classification: Pathogenic for Epidermolysis bullosa simplex 3, localized or generalized intermediate, with BP230 deficiency; Hereditary sensory and autonomic neuropathy type 6. Last evaluated: 2024-07-15. Review status: criteria provided, single submitter. Criteria: Invitae Variant Classification Sherloc (09022015). Collection method: clinical testing. Allele origin: germline.
Comment: The DST gene has multiple clinically relevant transcripts. This variant occurs in alternate transcript NM_015548.4, and corresponds to NM_001723.5:c.*58091G>T in the primary transcript. This sequence change creates a premature translational stop signal (p.Glu2222*) in the DST gene. It is expected to result in an absent or disrupted protein product. Loss-of-function variants in DST are known to be pathogenic (PMID: 22522446, 25059916, 30371979). This variant is not present in population databases (gnomAD no frequency). This variant has not been reported in the literature in individuals affected with DST-related conditions. For these reasons, this variant has been classified as Pathogenic.

Literature cited by the submitters: PubMed 22522446; PubMed 25059916; PubMed 30371979.